The following is an entry in ClinVar:

NM_001267550.2(TTN):c.102212C>G (p.Pro34071Arg)

Genes: TTN-AS1 (TTN antisense RNA 1; plus strand), TTN (titin; minus strand). Cytogenetic location: 2q31.2.
Variant type: single nucleotide variant.
Coding change: c.102212C>G on transcript NM_001267550.2 (MANE Select); coding-DNA position 102212, C replaced by G.
Protein change: p.Pro34071Arg; replaces proline 34071 with arginine.
Molecular consequence: missense variant.
Genome position (GRCh38, 1-based): chr2:178,534,403, G>C on the plus strand (C>G on the coding strand, the complement: TTN is on the minus strand). VCF-style: chr2-178534403-G-C. GRCh37 (hg19) VCF-style: chr2-179399130-G-C.
Other names: c.97289C>G, p.Pro32430Arg (NM_001256850.1); c.75017C>G, p.Pro25006Arg (NM_003319.4); c.94508C>G, p.Pro31503Arg (NM_133378.4); c.75392C>G, p.Pro25131Arg (NM_133432.3); c.75593C>G, p.Pro25198Arg (NM_133437.4); short protein forms P32430R, P25131R, P25198R, P34071R, P25006R, P31503R.
Identifiers: ClinVar variation 1952314 (VCV001952314.5), dbSNP rs2468534086, ClinGen allele CA349418118.
Genomic context (GRCh38, chr2:178,534,403, plus strand): 5'-CGGTGTTTTAATGTTCTGATAACTTTAGTACTGACTCTTTCTATCTTCTGCTTCAACCAT[G>C]GGTGCTGGAGAGCCTCCGATGCTGTCATGCGAGATTTCCTCTCTTTCACTAACAACCGGT-3'
Protein context (NP_001254479.2, residues 34061-34081): RMTASEALQH[Pro34071Arg]WLKQKIERVS

ClinVar aggregate classification (germline): Uncertain significance (1 of 4 stars; one submission).

Conditions:
Dilated cardiomyopathy 1G (CMD1G). Identifiers: Orphanet 154, MedGen C1858763, MONDO:0011400, OMIM 604145.
Autosomal recessive limb-girdle muscular dystrophy type 2J (LGMDR10). Also called: MUSCULAR DYSTROPHY, LIMB-GIRDLE, AUTOSOMAL RECESSIVE 10; Limb-girdle muscular dystrophy, type 2J. Identifiers: Orphanet 140922, MedGen C1837342, MONDO:0012127, OMIM 608807.

Submission:

Labcorp Genetics (formerly Invitae), Labcorp
Classification: Uncertain significance for Dilated cardiomyopathy 1G; Autosomal recessive limb-girdle muscular dystrophy type 2J. Last evaluated: 2022-05-24. Review status: criteria provided, single submitter. Criteria: Invitae Variant Classification Sherloc (09022015). Collection method: clinical testing. Allele origin: germline.
Comment: Experimental studies and prediction algorithms are not available or were not evaluated, and the functional significance of this variant is currently unknown. This variant has not been reported in the literature in individuals affected with TTN-related conditions. This variant is not present in population databases (gnomAD no frequency). This sequence change replaces proline, which is neutral and non-polar, with arginine, which is basic and polar, at codon 34071 of the TTN protein (p.Pro34071Arg). This variant is located in the M band of TTN (PMID: 25589632). Variants in this region may be relevant for neuromuscular disorders, but have not been definitively shown to cause cardiomyopathy (PMID: 23975875). In summary, the available evidence is currently insufficient to determine the role of this variant in disease. Therefore, it has been classified as a Variant of Uncertain Significance.

Literature cited by the submitters: PubMed 25589632; PubMed 23975875.